The following is an entry in ClinVar:

ClinVar aggregate classification (germline): Uncertain significance (1 of 4 stars; one submission).

Conditions:
Alagille syndrome due to a JAG1 point mutation. Also called: JAG1-Related Alagille Syndrome; Alagille Syndrome 1; HEPATIC DUCTULAR HYPOPLASIA, SYNDROMATIC. Identifiers: Orphanet 261619, Orphanet 52, MedGen C1956125, MONDO:0016862, OMIM 118450.

Submission:

Neuberg Centre For Genomic Medicine, NCGM
Classification: Uncertain significance for Alagille syndrome due to a JAG1 point mutation. Review status: criteria provided, single submitter. Criteria: ACMG Guidelines, 2015. Collection method: clinical testing. Allele origin: germline. Inheritance: Autosomal dominant inheritance. Affected: yes.
Comment: The inframe deletion c.484_486del (p.Asn162del) in the JAG1 gene has not been reported previously as a pathogenic variant nor as a benign variant, to our knowledge. The variant is absent in gnomAD Exomes. This p.Asn162del causes the deletion of the amino acid Asparagine at position 162. For these reasons, this variant has been classified as Uncertain Significance.

NM_000214.3(JAG1):c.484_486del (p.Asn162del)

Gene: JAG1 (jagged canonical Notch ligand 1; minus strand). Cytogenetic location: 20p12.2.
Variant type: Deletion.
Coding change: c.484_486del on transcript NM_000214.3 (MANE Select); coding-DNA positions 484 to 486, 3 bases deleted (AAC; older notation c.484_486delAAC).
Protein change: p.Asn162del; deletes asparagine 162.
Molecular consequence: inframe deletion.
Genome position (GRCh38, 1-based): chr20:10,658,676-10,658,678, GTT deleted on the plus strand (AAC on the coding strand, the reverse complement: JAG1 is on the minus strand); deleting any 3 consecutive bases within chr20:10,658,676-10,658,679 gives the same sequence; the c. name uses the placement nearest the transcript's 3' end. VCF-style (leftmost placement, unchanged base first): chr20-10658675-GGTT-G. GRCh37 (hg19) VCF-style: chr20-10639323-GGTT-G.
Other names: short protein forms N162del.
Identifiers: ClinVar variation 3242148 (VCV003242148.1), dbSNP rs2514526677.